The following is an entry in ClinVar:

ClinVar aggregate classification (germline): Likely pathogenic (1 of 4 stars; one submission).

Submission:

Dasa
Classification: Likely pathogenic. Last evaluated: 2024-12-03. Review status: criteria provided, single submitter. Criteria: DASA Assertion Criteria. Collection method: clinical testing. Allele origin: germline.
Comment: NM_013436.5(NCKAP1):c.291del (p.Phe97Leufs*2) is a frameshift variant in NCKAP1 predicted to alter the reading frame and introduce a premature termination codon and is predicted to result in an absent or altered protein product. Loss of function is an established disease mechanism for NCKAP1 (PMID: 27632392; PMID: 27824329; PMID: 28940097). Also, this variant is absent from population databases. Based on the currently available evidence, this variant is classified as likely pathogenic.

Literature cited by the submitters: PubMed 27632392; PubMed 27824329; PubMed 28940097.

NM_013436.5(NCKAP1):c.291del (p.Phe97fs)

Gene: NCKAP1 (NCK associated protein 1; minus strand). Cytogenetic location: 2q32.1.
Variant type: Deletion.
Coding change: c.291del on transcript NM_013436.5 (MANE Select); coding-DNA position 291, one base deleted (T; older notation c.291delT).
Protein change: p.Phe97fs; shifts the reading frame from phenylalanine 97.
Molecular consequence: frameshift variant.
Genome position (GRCh38, 1-based): chr2:183,003,254, A deleted on the plus strand (T on the coding strand, the reverse complement: NCKAP1 is on the minus strand); the first of 3 consecutive A bases (chr2:183,003,254-183,003,256); deleting any one gives the same sequence. VCF-style (leftmost placement, unchanged base first): chr2-183003253-CA-C. GRCh37 (hg19) VCF-style: chr2-183867981-CA-C.
Other names: c.285del, p.Phe95fs (NM_001437266.1); c.303del, p.Phe101fs (NM_001437267.1); c.309del, p.Phe103fs (NM_205842.3); short protein forms F101fs, F103fs, F95fs, F97fs.
Identifiers: ClinVar variation 4880547 (VCV004880547.2).